The following is an entry in ClinVar:

NM_052874.5(STX1B):c.569C>T (p.Ala190Val)

Gene: STX1B (syntaxin 1B; minus strand). Cytogenetic location: 16p11.2.
Variant type: single nucleotide variant.
Coding change: c.569C>T on transcript NM_052874.5 (MANE Select); coding-DNA position 569, C replaced by T.
Protein change: p.Ala190Val; replaces alanine 190 with valine.
Molecular consequence: missense variant.
Genome position (GRCh38, 1-based): chr16:30,993,453, G>A on the plus strand (C>T on the coding strand, the complement: STX1B is on the minus strand). VCF-style: chr16-30993453-G-A. GRCh37 (hg19) VCF-style: chr16-31004774-G-A.
Other names: short protein forms A190V.
Identifiers: ClinVar variation 1800996 (VCV001800996.3), dbSNP rs369310107, ClinGen allele CA8018315.

ClinVar aggregate classification (germline): Uncertain significance. Review status: criteria provided, multiple submitters, no conflicts (2 of 4 stars). 3 submissions from 3 submitters: Uncertain significance (3). Last evaluated 2026-06-10.

Conditions:
Inborn genetic diseases. Identifiers: MedGen C0950123, MeSH D030342.

Allele frequency attached by ClinVar (database versions not stated): TOPMed below 0.00001; ExAC 0.00001; gnomAD exomes 0.00001; ESP Exome Variant Server 0.00008.
gnomAD v4.1: 11 of 1,613,912 alleles (0.00068%); highest among the groups gnomAD compares: Non-Finnish European, 0.00093%; no homozygotes.

Submissions (3):

Ambry Genetics
Classification: Uncertain significance for Inborn genetic diseases. Last evaluated: 2026-06-10. Review status: criteria provided, single submitter. Criteria: Ambry Variant Classification Scheme 2023. Collection method: clinical testing. Allele origin: germline.
Comment: The c.569C>T (p.A190V) alteration is located in exon 8 (coding exon 8) of the STX1B gene. This alteration results from a C to T substitution at nucleotide position 569, causing the alanine (A) at amino acid position 190 to be replaced by a valine (V). Based on data from gnomAD, the T allele has an overall frequency of 0.001% (2/251230) total alleles studied. The highest observed frequency was 0.006% (1/16256) of African alleles. Based on insufficient or conflicting evidence, the clinical significance of this alteration remains unclear.

Blueprint Genetics
Classification: Uncertain significance. Last evaluated: 2024-08-07. Review status: criteria provided, single submitter. Criteria: ACMG Guidelines, 2015. Collection method: clinical testing. Allele origin: germline.

GeneDx
Classification: Uncertain significance. Last evaluated: 2022-05-24. Review status: criteria provided, single submitter. Criteria: GeneDx Variant Classification Process June 2021. Collection method: clinical testing. Allele origin: germline. Affected: yes.
Comment: In silico analysis supports that this missense variant has a deleterious effect on protein structure/function; Has not been previously published as pathogenic or benign to our knowledge